The following is an entry in ClinVar:

NM_001010867.4(IBA57):c.488T>C (p.Leu163Ser)

Gene: IBA57 (iron-sulfur cluster assembly factor IBA57; plus strand). Cytogenetic location: 1q42.13.
Variant type: single nucleotide variant.
Coding change: c.488T>C on transcript NM_001010867.4 (MANE Select); coding-DNA position 488, T replaced by C.
Protein change: p.Leu163Ser; replaces leucine 163 with serine.
Molecular consequence: missense variant. On other transcripts: 5 prime UTR variant (1).
Genome position (GRCh38, 1-based): chr1:228,174,838, T>C. VCF-style: chr1-228174838-T-C. GRCh37 (hg19) VCF-style: chr1-228362539-T-C.
Other names: c.-92T>C (NM_001310327.2); short protein forms L163S.
Identifiers: ClinVar variation 1522338 (VCV001522338.6), dbSNP rs2124976694, ClinGen allele CA345112839.
Genomic context (GRCh38, chr1:228,174,838, plus strand): 5'-ACAGGATCCGGCGGAAGGTCACGGTGGAGCCGCACCCGGAGCTGCGAGTGTGGGCGGTGT[T>C]GCCCAGTTCCCCTGAGGCCTGCGGGGCTGCATCGCTGCAGGAGAGGGCAGGGGCTGCCGC-3'
Protein context (NP_001010867.1, residues 153-173): PHPELRVWAV[Leu163Ser]PSSPEACGAA

ClinVar aggregate classification (germline): Uncertain significance (1 of 4 stars; one submission).

Conditions:
Hereditary spastic paraplegia 74. Also called: Spastic paraplegia 74, autosomal recessive. Identifiers: Orphanet 468661, MedGen C5568837, MONDO:0014644, OMIM 616451.
Multiple mitochondrial dysfunctions syndrome 3 (MMDS3). Identifiers: Orphanet 363424, MedGen C3809165, MONDO:0014132, OMIM 615330.

Allele frequency attached by ClinVar (database versions not stated): gnomAD exomes below 0.00001.
gnomAD v4.1: 2 of 1,610,528 alleles (0.00012%); highest among the groups gnomAD compares: Non-Finnish European, 0.00017%; no homozygotes.

Submission:

Labcorp Genetics (formerly Invitae), Labcorp
Classification: Uncertain significance for Multiple mitochondrial dysfunctions syndrome 3; Hereditary spastic paraplegia 74. Last evaluated: 2022-02-24. Review status: criteria provided, single submitter. Criteria: Invitae Variant Classification Sherloc (09022015). Collection method: clinical testing. Allele origin: germline.
Comment: This variant is not present in population databases (gnomAD no frequency). This sequence change replaces leucine, which is neutral and non-polar, with serine, which is neutral and polar, at codon 163 of the IBA57 protein (p.Leu163Ser). This variant has not been reported in the literature in individuals affected with IBA57-related conditions. In summary, the available evidence is currently insufficient to determine the role of this variant in disease. Therefore, it has been classified as a Variant of Uncertain Significance. Algorithms developed to predict the effect of missense changes on protein structure and function are either unavailable or do not agree on the potential impact of this missense change (SIFT: "Tolerated"; PolyPhen-2: "Possibly Damaging"; Align-GVGD: "Class C0").